The following is an entry in ClinVar:

ClinVar aggregate classification (germline): Likely benign. Review status: criteria provided, single submitter (1 of 4 stars). 2 submissions from 2 submitters: Likely benign (1). 1 of the submissions does not count toward it. Last evaluated 2024-03-15.

Conditions:
Bardet-Biedl syndrome (BBS). Identifiers: Orphanet 110, MedGen C0752166, MONDO:0015229.
BBS5-related disorder. Also called: BBS5-related condition.

gnomAD v4.1: 3 of 1,612,542 alleles (0.00019%); highest among the groups gnomAD compares: Non-Finnish European, 0.00025%; no homozygotes.

Submissions (2):

Labcorp Genetics (formerly Invitae), Labcorp
Classification: Likely benign for Bardet-Biedl syndrome. Last evaluated: 2024-03-15. Review status: criteria provided, single submitter. Criteria: Invitae Variant Classification Sherloc (09022015). Collection method: clinical testing. Allele origin: germline.

PreventionGenetics, part of Exact Sciences
Classification: Likely benign for BBS5-related condition. Last evaluated: 2021-02-15. Review status: no assertion criteria provided. Collection method: clinical testing. Allele origin: germline. Not counted in ClinVar's aggregate classification.
Comment: This variant is classified as likely benign based on ACMG/AMP sequence variant interpretation guidelines (Richards et al. 2015 PMID: 25741868, with internal and published modifications).

NM_152384.3(BBS5):c.682-6T>C

Gene: BBS5 (Bardet-Biedl syndrome 5; plus strand). Cytogenetic location: 2q31.1.
Variant type: single nucleotide variant.
Coding change: c.682-6T>C on transcript NM_152384.3 (MANE Select); 6 bases into the intron before coding-DNA position 682, T replaced by C.
Molecular consequence: intron variant.
Genome position (GRCh38, 1-based): chr2:169,499,480, T>C. VCF-style: chr2-169499480-T-C. GRCh37 (hg19) VCF-style: chr2-170355990-T-C.
Identifiers: ClinVar variation 3350241 (VCV003350241.3).